The following is an entry in ClinVar:

NM_000059.4(BRCA2):c.5972C>T (p.Ala1991Val)

Gene: BRCA2 (BRCA2 DNA repair associated; plus strand). Cytogenetic location: 13q13.1.
Variant type: single nucleotide variant.
Coding change: c.5972C>T on transcript NM_000059.4 (MANE Select); coding-DNA position 5972, C replaced by T.
Protein change: p.Ala1991Val; replaces alanine 1991 with valine.
Molecular consequence: missense variant.
Genome position (GRCh38, 1-based): chr13:32,340,327, C>T. VCF-style: chr13-32340327-C-T. GRCh37 (hg19) VCF-style: chr13-32914464-C-T.
Other names: short protein forms A1991V.
Identifiers: ClinVar variation 51978 (VCV000051978.11), dbSNP rs80358829, ClinGen allele CA023438.

ClinVar aggregate classification (germline): Conflicting classifications of pathogenicity. Review status: criteria provided, conflicting classifications (1 of 4 stars). 5 submissions from 5 submitters: Uncertain significance (3); Likely benign (1). 1 of the submissions does not count toward it. Last evaluated 2026-03-02.

Conditions:
Breast neoplasm. Also called: Breast Neoplasms; Neoplasm of the breast; Neoplasm of breast; Breast tumor. Identifiers: MedGen C1458155, MeSH D001943, MONDO:0021100, HP:0100013. Disease mechanism: gain of function.
Hereditary cancer-predisposing syndrome. Also called: Hereditary Cancer Syndrome; Hereditary neoplastic syndrome; Neoplastic Syndromes, Hereditary; Tumor predisposition. Identifiers: Orphanet 140162, MedGen C0027672, MeSH D009386, MONDO:0015356.
Hereditary breast ovarian cancer syndrome. Also called: Hereditary breast and ovarian cancer syndrome (HBOC); Hereditary breast and ovarian cancer syndrome; Hereditary breast and/or ovarian cancer syndrome; Breast and ovarian cancer; BRCA1- and BRCA2-Associated Hereditary Breast and Ovarian Cancer; Hereditary breast and ovarian cancer. Identifiers: Orphanet 145, MedGen C0677776, MeSH D061325, MONDO:0003582. Disease mechanism: loss of function.
Breast-ovarian cancer, familial, susceptibility to, 2 (BROVCA2). Also called: BRCA2 Hereditary Breast and Ovarian Cancer. Identifiers: Orphanet 145, MedGen C2675520, MONDO:0012933, OMIM 612555. Disease mechanism: loss of function.

Submissions (5):

Ambry Genetics
Classification: Uncertain significance for Hereditary cancer-predisposing syndrome. Last evaluated: 2026-03-02. Review status: criteria provided, single submitter. Criteria: Ambry Variant Classification Scheme 2023. Collection method: clinical testing. Allele origin: germline.
Comment: The p.A1991V variant (also known as c.5972C>T), located in coding exon 10 of the BRCA2 gene, results from a C to T substitution at nucleotide position 5972. The alanine at codon 1991 is replaced by valine, an amino acid with similar properties. This amino acid position is not well conserved in available vertebrate species. In addition, this alteration is predicted to be tolerated by in silico analysis. Based on the available evidence, the clinical significance of this variant remains unclear.

Labcorp Genetics (formerly Invitae), Labcorp
Classification: Uncertain significance for Hereditary breast ovarian cancer syndrome. Last evaluated: 2024-03-29. Review status: criteria provided, single submitter. Criteria: Invitae Variant Classification Sherloc (09022015). Collection method: clinical testing. Allele origin: germline.
Comment: This sequence change replaces alanine, which is neutral and non-polar, with valine, which is neutral and non-polar, at codon 1991 of the BRCA2 protein (p.Ala1991Val). This variant is not present in population databases (gnomAD no frequency). This missense change has been observed in individual(s) with breast cancer (PMID: 27165220, 29723101, 30287823). ClinVar contains an entry for this variant (Variation ID: 51978). Advanced modeling of protein sequence and biophysical properties (such as structural, functional, and spatial information, amino acid conservation, physicochemical variation, residue mobility, and thermodynamic stability) performed at Invitae indicates that this missense variant is not expected to disrupt BRCA2 protein function with a negative predictive value of 95%. In summary, the available evidence is currently insufficient to determine the role of this variant in disease. Therefore, it has been classified as a Variant of Uncertain Significance.

University of Washington Department of Laboratory Medicine, University of Washington
Classification: Likely benign for Hereditary cancer-predisposing syndrome. Last evaluated: 2023-03-23. Review status: criteria provided, single submitter. Criteria: Dines et al. (Genet Med. 2020). Collection method: curation. Allele origin: germline.
Comment: Missense variant in a coldspot region where missense variants are very unlikely to be pathogenic (PMID:31911673).

BRCA2 exon 11 coldspot. Reclassification based on statistical prior probability.

Clinical and Functional Genomics Group, A.C.Camargo Cancer Center
Classification: Uncertain significance for Breast Cancer. Review status: criteria provided, single submitter. Criteria: Carraro et al. (PLoS One. 2013). Collection method: research. Allele origin: germline. Affected: yes.

Breast Cancer Information Core (BIC) (BRCA2)
Classification: Uncertain significance for Breast-ovarian cancer, familial 2. Last evaluated: 2001-10-29. Review status: no assertion criteria provided. Collection method: clinical testing. Allele origin: germline. Affected: yes. Observed: 1 variant allele. Not counted in ClinVar's aggregate classification.

Literature cited by the submitters: PubMed 27165220 (cited by Labcorp Genetics (formerly Invitae), Labcorp); PubMed 29723101 (cited by Labcorp Genetics (formerly Invitae), Labcorp); PubMed 30287823 (cited by Labcorp Genetics (formerly Invitae), Labcorp); PubMed 24884479 (cited by Clinical and Functional Genomics Group, A.C.Camargo Cancer Center).